The following is an entry in ClinVar:

NM_005428.4(VAV1):c.2212del (p.Thr739fs)

Gene: VAV1 (vav guanine nucleotide exchange factor 1; plus strand). Cytogenetic location: 19p13.3.
Variant type: Deletion.
Coding change: c.2212del on transcript NM_005428.4 (MANE Select); coding-DNA position 2212, one base deleted (C; older notation c.2212delC).
Protein change: p.Thr739fs; shifts the reading frame from threonine 739.
Molecular consequence: frameshift variant.
Genome position (GRCh38, 1-based): chr19:6,850,752, C deleted. VCF-style (leftmost placement, unchanged base first): chr19-6850751-GC-G. GRCh37 (hg19) VCF-style: chr19-6850762-GC-G.
Other names: c.2146del, p.Thr717fs (NM_001258206.2); c.2116del, p.Thr707fs (NM_001258207.2); short protein forms T707fs, T717fs, T739fs.
Identifiers: ClinVar variation 2861311 (VCV002861311.3), dbSNP rs2512405770, ClinGen allele CA2739276377.

ClinVar aggregate classification (germline): Uncertain significance (1 of 4 stars; one submission).

Submission:

Labcorp Genetics (formerly Invitae), Labcorp
Classification: Uncertain significance. Last evaluated: 2023-05-01. Review status: criteria provided, single submitter. Criteria: Invitae Variant Classification Sherloc (09022015). Collection method: clinical testing. Allele origin: germline.
Comment: In summary, the available evidence is currently insufficient to determine the role of this variant in disease. Therefore, it has been classified as a Variant of Uncertain Significance. This variant has not been reported in the literature in individuals affected with VAV1-related conditions. This variant is not present in population databases (gnomAD no frequency). This sequence change creates a premature translational stop signal (p.Thr739Argfs*12) in the VAV1 gene. It is expected to result in an absent or disrupted protein product. However, the current clinical and genetic evidence is not sufficient to establish whether loss-of-function variants in VAV1 cause disease.